The following is an entry in ClinVar:

NM_001257293.2(HNRNPH1):c.-31-12C>G

Genes: HNRNPH1 (heterogeneous nuclear ribonucleoprotein H1; minus strand), LOC128966623 (uncharacterized LOC128966623; plus strand). Cytogenetic location: 5q35.3.
Variant type: single nucleotide variant.
Coding change: c.-31-12C>G on transcript NM_001257293.2 (MANE Select); 12 bases into the intron before 31 bases upstream of the start codon, C replaced by G.
Molecular consequence: intron variant. On other transcripts: 5 prime UTR variant (2).
Genome position (GRCh38, 1-based): chr5:179,623,176, G>C on the plus strand (C>G on the coding strand, the complement: HNRNPH1 is on the minus strand). VCF-style: chr5-179623176-G-C. GRCh37 (hg19) VCF-style: chr5-179050177-G-C.
Other names: c.-43C>G (NM_001364238.2, NM_001395182.1); c.-31-12C>G (NM_001364233.2, NM_001364225.2, NM_001395193.1 and 38 more transcripts); c.-495-12C>G (NM_001364253.2, NM_001395194.1, NM_001395195.1 and 4 more transcripts); c.-396-12C>G (NM_001395190.1).
Identifiers: ClinVar variation 3369879 (VCV003369879.1).

ClinVar aggregate classification (germline): Uncertain significance (1 of 4 stars; one submission).

gnomAD v4.1: 1 of 1,456,628 alleles (0.000069%); highest among the groups gnomAD compares: Non-Finnish European, 0.000096%; no homozygotes.

Submission:

GeneDx
Classification: Uncertain significance. Last evaluated: 2024-03-22. Review status: criteria provided, single submitter. Criteria: GeneDx Variant Classification Process June 2021. Collection method: clinical testing. Allele origin: germline. Affected: yes.
Comment: Not observed at significant frequency in large population cohorts (gnomAD); In silico analysis is inconclusive as to whether the variant alters gene splicing. In the absence of RNA/functional studies, the actual effect of this sequence change is unknown.; Has not been previously published as pathogenic or benign to our knowledge